The following is an entry in ClinVar:

ClinVar aggregate classification (germline): Uncertain significance (1 of 4 stars; one submission).

gnomAD v4.1: 6 of 1,550,602 alleles (0.00039%); highest among the groups gnomAD compares: Non-Finnish European, 0.00052%; no homozygotes.

Submission:

CeGaT Center for Human Genetics Tuebingen
Classification: Uncertain significance. Last evaluated: 2026-03-01. Review status: criteria provided, single submitter. Criteria: CeGaT Center For Human Genetics Tuebingen Variant Classification Criteria Version 2. Collection method: clinical testing. Allele origin: germline. Affected: yes. Observed: 1 variant allele.
Comment: ZNF469: PM2, BP4

NM_001367624.2(ZNF469):c.8213C>T (p.Ala2738Val)

Gene: ZNF469 (zinc finger protein 469; plus strand). Cytogenetic location: 16q24.2.
Variant type: single nucleotide variant.
Coding change: c.8213C>T on transcript NM_001367624.2 (MANE Select); coding-DNA position 8213, C replaced by T.
Protein change: p.Ala2738Val; replaces alanine 2738 with valine.
Molecular consequence: missense variant.
Genome position (GRCh38, 1-based): chr16:88,435,683, C>T. VCF-style: chr16-88435683-C-T. GRCh37 (hg19) VCF-style: chr16-88502091-C-T.
Other names: short protein forms A2738V.
Identifiers: ClinVar variation 4823752 (VCV004823752.4).